The following is an entry in ClinVar:

ClinVar aggregate classification (germline): Uncertain significance. Review status: criteria provided, multiple submitters, no conflicts (2 of 4 stars). 2 submissions from 2 submitters: Uncertain significance (2). Last evaluated 2024-07-19.

Conditions:
Inborn genetic diseases. Identifiers: MedGen C0950123, MeSH D030342.

Allele frequency attached by ClinVar (database versions not stated): gnomAD 0.00001; gnomAD exomes 0.00002; TOPMed 0.00002.
gnomAD v4.1: 37 of 1,613,810 alleles (0.0023%); highest among the groups gnomAD compares: Non-Finnish European, 0.0031%; no homozygotes.

Submissions (2):

Labcorp Genetics (formerly Invitae), Labcorp
Classification: Uncertain significance. Last evaluated: 2024-07-19. Review status: criteria provided, single submitter. Criteria: Invitae Variant Classification Sherloc (09022015). Collection method: clinical testing. Allele origin: germline.
Comment: This sequence change replaces isoleucine, which is neutral and non-polar, with threonine, which is neutral and polar, at codon 23 of the NDUFA9 protein (p.Ile23Thr). This variant is present in population databases (no rsID available, gnomAD 0.002%). This variant has not been reported in the literature in individuals affected with NDUFA9-related conditions. ClinVar contains an entry for this variant (Variation ID: 2234379). An algorithm developed to predict the effect of missense changes on protein structure and function (PolyPhen-2) suggests that this variant is likely to be tolerated. In summary, the available evidence is currently insufficient to determine the role of this variant in disease. Therefore, it has been classified as a Variant of Uncertain Significance.

Ambry Genetics
Classification: Uncertain significance for Inborn genetic diseases. Last evaluated: 2021-06-22. Review status: criteria provided, single submitter. Criteria: Ambry Variant Classification Scheme 2023. Collection method: clinical testing. Allele origin: germline.

NM_005002.5(NDUFA9):c.68T>C (p.Ile23Thr)

Gene: NDUFA9 (NADH:ubiquinone oxidoreductase subunit A9; plus strand). Cytogenetic location: 12p13.32.
Variant type: single nucleotide variant.
Coding change: c.68T>C on transcript NM_005002.5 (MANE Select); coding-DNA position 68, T replaced by C.
Protein change: p.Ile23Thr; replaces isoleucine 23 with threonine.
Molecular consequence: missense variant.
Genome position (GRCh38, 1-based): chr12:4,654,310, T>C. VCF-style: chr12-4654310-T-C. GRCh37 (hg19) VCF-style: chr12-4763476-T-C.
Other names: short protein forms I23T.
Identifiers: ClinVar variation 2234379 (VCV002234379.4), dbSNP rs1194127380, ClinGen allele CA383448053.